The following is an entry in ClinVar:

ClinVar aggregate classification (germline): Pathogenic/Likely pathogenic. Review status: criteria provided, multiple submitters, no conflicts (2 of 4 stars). 5 submissions from 5 submitters: Pathogenic (3); Likely pathogenic (1). 1 of the submissions does not count toward it. Last evaluated 2024-02-27.

Conditions:
Autosomal recessive nonsyndromic hearing loss 32. Also called: Deafness, autosomal recessive 32; HEARING IMPAIRMENT INFERTILE MALE SYNDROME; Deafness, autosomal recessive 105. Identifiers: Orphanet 90636, MedGen C1837608, MONDO:0012091, OMIM 608653.
Ear malformation. Also called: Abnormality of the ear; CUP EAR. Identifiers: MedGen C0266589, MONDO:0007500, OMIM 128600, HP:0000598.

gnomAD v4.1: 14 of 1,600,376 alleles (0.00087%); highest among the groups gnomAD compares: Middle Eastern, 0.017%; no homozygotes.

Submissions (5):

Labcorp Genetics (formerly Invitae), Labcorp
Classification: Pathogenic. Last evaluated: 2024-02-27. Review status: criteria provided, single submitter. Criteria: Invitae Variant Classification Sherloc (09022015). Collection method: clinical testing. Allele origin: germline.
Comment: This sequence change creates a premature translational stop signal (p.Arg345*) in the CDC14A gene. It is expected to result in an absent or disrupted protein product. Loss-of-function variants in CDC14A are known to be pathogenic (PMID: 27259055). The frequency data for this variant in the population databases is considered unreliable, as metrics indicate poor data quality at this position in the gnomAD database. This premature translational stop signal has been observed in individual(s) with autosomal recessive deafness (PMID: 31850270). ClinVar contains an entry for this variant (Variation ID: 559439). For these reasons, this variant has been classified as Pathogenic.

Kariminejad - Najmabadi Pathology & Genetics Center
Classification: Likely pathogenic for Ear malformation. Last evaluated: 2021-07-10. Review status: criteria provided, single submitter. Criteria: ACMG Guidelines, 2015. Collection method: clinical testing. Allele origin: germline. Affected: yes.

SIB Swiss Institute of Bioinformatics
Classification: Pathogenic for Autosomal recessive nonsyndromic hearing loss 32. Last evaluated: 2018-11-05. Review status: criteria provided, single submitter. Criteria: ACMG Guidelines, 2015. Collection method: curation. Allele origin: unknown.
Comment: This variant is interpreted as a Pathogenic for Deafness, autosomal recessive 32, with or without immotile sperm. The following ACMG Tag(s) were applied: PM2 : Absent from controls (or at extremely low frequency if recessive) in Exome Sequencing Project, 1000 Genomes Project, or Exome Aggregation Consortium. PVS1-Strong : PVS1 downgraded in strength to Strong. PP1-Strong : Segregation data PP1 upgraded to strong (PMID:29293958).

Juno Genomics, Hangzhou Juno Genomics, Inc
Classification: Pathogenic for Autosomal recessive nonsyndromic hearing loss 32. Review status: criteria provided, single submitter. Criteria: ACMG Guidelines, 2015. Collection method: clinical testing. Allele origin: germline.
Comment: Absent from controls (or at extremely low frequency if recessive) in Genome Aggregation Database.;Null variant in a gene where loss of function (LOF) is a known mechanism of disease.;For recessive disorders, detected in trans with a pathogenic variant.;Co-segregation with disease in multiple affected family members.

OMIM
Classification: Pathogenic for DEAFNESS, AUTOSOMAL RECESSIVE 32. Last evaluated: 2018-08-06. Review status: no assertion criteria provided. Collection method: literature only. Allele origin: germline. Not counted in ClinVar's aggregate classification.

Literature cited by the submitters: PubMed 27259055 (cited by Labcorp Genetics (formerly Invitae), Labcorp); PubMed 31850270 (cited by Labcorp Genetics (formerly Invitae), Labcorp); PubMed 29293958 (cited by SIB Swiss Institute of Bioinformatics and OMIM).

NM_003672.4(CDC14A):c.1033C>T (p.Arg345Ter)

Gene: CDC14A (cell division cycle 14A; plus strand). Cytogenetic location: 1p21.2.
Variant type: single nucleotide variant.
Coding change: c.1033C>T on transcript NM_003672.4 (MANE Select); coding-DNA position 1033, C replaced by T.
Protein change: p.Arg345Ter; replaces arginine 345 with a stop codon.
Molecular consequence: nonsense.
Genome position (GRCh38, 1-based): chr1:100,484,347, C>T. VCF-style: chr1-100484347-C-T. GRCh37 (hg19) VCF-style: chr1-100949903-C-T.
Other names: c.1033C>T, p.Arg345Ter (NM_001319210.2, NM_033312.3, NM_033313.3); c.859C>T, p.Arg287Ter (NM_001319211.2); c.154C>T, p.Arg52Ter (NM_001319212.2); short protein forms R345*, R52*, R287*.
Identifiers: ClinVar variation 559439 (VCV000559439.33), dbSNP rs549556142, ClinGen allele CA27621546.